The following is an entry in ClinVar:

ClinVar aggregate classification (germline): Benign. Review status: criteria provided, multiple submitters, no conflicts (2 of 4 stars). 5 submissions from 5 submitters: Benign (5). Last evaluated 2026-02-04.

Conditions:
Cardiovascular phenotype. Identifiers: MedGen CN230736.
Hypertrophic cardiomyopathy. Also called: HYPERTROPHIC MYOCARDIOPATHY. Identifiers: Orphanet 217569, MedGen C0007194, MeSH D002312, MONDO:0005045, HP:0001639.

Allele frequency attached by ClinVar (database versions not stated): 1000 Genomes Project 30x 0.34572; 1000 Genomes Project 0.34804; ESP Exome Variant Server 0.36698; gnomAD 0.36941 and 0.37156; TOPMed 0.37884; gnomAD exomes 0.42665 and 0.43597; ExAC 0.44224.
gnomAD v4.1: 690,370 of 1,606,494 alleles (43%); highest among the groups gnomAD compares: Admixed American, 56%; 152,167 homozygotes.

Submissions (5):

Labcorp Genetics (formerly Invitae), Labcorp
Classification: Benign for Hypertrophic cardiomyopathy. Last evaluated: 2026-02-04. Review status: criteria provided, single submitter. Criteria: Invitae Variant Classification Sherloc (09022015). Collection method: clinical testing. Allele origin: germline.

GeneDx
Classification: Benign. Last evaluated: 2018-06-13. Review status: criteria provided, single submitter. Criteria: GeneDx Variant Classification (06012015). Collection method: clinical testing. Allele origin: germline. Affected: yes.
Comment: This variant is considered likely benign or benign based on one or more of the following criteria: it is a conservative change, it occurs at a poorly conserved position in the protein, it is predicted to be benign by multiple in silico algorithms, and/or has population frequency not consistent with disease.

Laboratory for Molecular Medicine, Mass General Brigham Personalized Medicine
Classification: Benign. Last evaluated: 2014-11-24. Review status: criteria provided, single submitter. Criteria: LMM Criteria. Collection method: clinical testing. Allele origin: germline. Observed: 339 variant alleles.
Comment: 3576-5C>T in intron 23 of MYOM1: This variant is not expected to have clinical s ignificance because it has been identified in 44.7% (3679/8230) of European Amer ican chromosomes from a broad population by the NHLBI Exome Sequencing Project (dbSNP rs7232329).

Ambry Genetics
Classification: Benign for Cardiovascular phenotype. Last evaluated: 2012-07-11. Review status: criteria provided, single submitter. Criteria: Ambry Autosomal Dominant and X-Linked criteria (10/2015). Collection method: clinical testing. Allele origin: germline. Observed: 1 variant allele.

Breakthrough Genomics
Classification: Benign. Review status: criteria provided, single submitter. Criteria: ACMG Guidelines, 2015. Collection method: not provided. Allele origin: germline. Inheritance: Unknown mechanism. Affected: yes.

NM_003803.4(MYOM1):c.3576-5C>T

Gene: MYOM1 (myomesin 1; minus strand). Cytogenetic location: 18p11.31.
Variant type: single nucleotide variant.
Coding change: c.3576-5C>T on transcript NM_003803.4 (MANE Select); 5 bases into the intron before coding-DNA position 3576, C replaced by T.
Molecular consequence: intron variant.
Genome position (GRCh38, 1-based): chr18:3,100,431, G>A on the plus strand (C>T on the coding strand, the complement: MYOM1 is on the minus strand). VCF-style: chr18-3100431-G-A. GRCh37 (hg19) VCF-style: chr18-3100429-G-A.
Other names: c.3288-5C>T (NM_019856.2).
Identifiers: ClinVar variation 226819 (VCV000226819.17), dbSNP rs7232329, ClinGen allele CA8874241.